The following is an entry in ClinVar:

NM_001126108.2(SLC12A3):c.612C>G (p.Tyr204Ter)

Gene: SLC12A3 (solute carrier family 12 member 3; plus strand). Cytogenetic location: 16q13.
Variant type: single nucleotide variant.
Coding change: c.612C>G on transcript NM_001126108.2 (MANE Select); coding-DNA position 612, C replaced by G.
Protein change: p.Tyr204Ter; replaces tyrosine 204 with a stop codon.
Molecular consequence: nonsense.
Genome position (GRCh38, 1-based): chr16:56,870,106, C>G. VCF-style: chr16-56870106-C-G. GRCh37 (hg19) VCF-style: chr16-56904018-C-G.
Other names: c.612C>G, p.Tyr204Ter (NM_000339.3); c.609C>G, p.Tyr203Ter (NM_001126107.2, NM_001410896.1); c.612C>G (NM_000339.2); short protein forms Y203*, Y204*.
Identifiers: ClinVar variation 2190362 (VCV002190362.5), dbSNP rs1300667536, ClinGen allele CA395981484.

ClinVar aggregate classification (germline): Pathogenic/Likely pathogenic. Review status: criteria provided, multiple submitters, no conflicts (2 of 4 stars). 2 submissions from 2 submitters: Pathogenic (1); Likely pathogenic (1). Last evaluated 2025-05-23.

Conditions:
SLC12A3-related disorder. Also called: SLC12A3-related condition.

Submissions (2):

PreventionGenetics, part of Exact Sciences
Classification: Likely pathogenic for SLC12A3-related condition. Last evaluated: 2025-05-23. Review status: criteria provided, single submitter. Criteria: ACMG Guidelines, 2015. Collection method: clinical testing. Allele origin: germline.
Comment: The SLC12A3 c.612C>G variant is predicted to result in premature protein termination (p.Tyr204*). To our knowledge, this variant has not been reported in the literature. This variant has not been reported in a large population database (gnomAD), indicating this variant is rare. Nonsense variants in SLC12A3 are expected to be pathogenic. This variant is interpreted as likely pathogenic.

Labcorp Genetics (formerly Invitae), Labcorp
Classification: Pathogenic. Last evaluated: 2022-03-13. Review status: criteria provided, single submitter. Criteria: Invitae Variant Classification Sherloc (09022015). Collection method: clinical testing. Allele origin: germline.
Comment: This variant is not present in population databases (gnomAD no frequency). This sequence change creates a premature translational stop signal (p.Tyr204*) in the SLC12A3 gene. It is expected to result in an absent or disrupted protein product. Loss-of-function variants in SLC12A3 are known to be pathogenic (PMID: 20848653, 22009145, 25841442). This variant has not been reported in the literature in individuals affected with SLC12A3-related conditions. For these reasons, this variant has been classified as Pathogenic.

Literature cited by the submitters: PubMed 20848653 (cited by Labcorp Genetics (formerly Invitae), Labcorp); PubMed 22009145 (cited by Labcorp Genetics (formerly Invitae), Labcorp); PubMed 25841442 (cited by Labcorp Genetics (formerly Invitae), Labcorp).